The following is an entry in ClinVar:

NM_024675.4(PALB2):c.305T>C (p.Val102Ala)

Gene: PALB2 (partner and localizer of BRCA2; minus strand). Cytogenetic location: 16p12.2.
Variant type: single nucleotide variant.
Coding change: c.305T>C on transcript NM_024675.4 (MANE Select); coding-DNA position 305, T replaced by C.
Protein change: p.Val102Ala; replaces valine 102 with alanine.
Molecular consequence: missense variant.
Genome position (GRCh38, 1-based): chr16:23,636,241, A>G on the plus strand (T>C on the coding strand, the complement: PALB2 is on the minus strand). VCF-style: chr16-23636241-A-G. GRCh37 (hg19) VCF-style: chr16-23647562-A-G.
Other names: short protein forms V102A.
Identifiers: ClinVar variation 460975 (VCV000460975.32), dbSNP rs1313838988, ClinGen allele CA395138793.

ClinVar aggregate classification (germline): Conflicting classifications of pathogenicity. Review status: criteria provided, conflicting classifications (1 of 4 stars). 5 submissions from 5 submitters: Uncertain significance (3); Likely benign (1). 1 of the submissions does not count toward it. Last evaluated 2025-11-30.

Conditions:
Hereditary cancer-predisposing syndrome. Also called: Hereditary neoplastic syndrome; Neoplastic Syndromes, Hereditary; Hereditary Cancer Syndrome; Tumor predisposition. Identifiers: Orphanet 140162, MedGen C0027672, MeSH D009386, MONDO:0015356.
Familial cancer of breast. Also called: hereditary breast carcinoma; Hereditary breast cancer; BREAST CANCER, FAMILIAL. Identifiers: Orphanet 227535, MedGen C0346153, MONDO:0016419, OMIM 114480. Disease mechanism: loss of function.

Allele frequency attached by ClinVar (database versions not stated): gnomAD exomes below 0.00001; TOPMed below 0.00001.
gnomAD v4.1: 2 of 1,613,942 alleles (0.00012%); highest among the groups gnomAD compares: Non-Finnish European, 0.00017%; no homozygotes.

Submissions (5):

Labcorp Genetics (formerly Invitae), Labcorp
Classification: Uncertain significance for Familial cancer of breast. Last evaluated: 2025-11-30. Review status: criteria provided, single submitter. Criteria: Invitae Variant Classification Sherloc (09022015). Collection method: clinical testing. Allele origin: germline.
Comment: This sequence change replaces valine, which is neutral and non-polar, with alanine, which is neutral and non-polar, at codon 102 of the PALB2 protein (p.Val102Ala). This variant is not present in population databases (gnomAD no frequency). This variant has not been reported in the literature in individuals affected with PALB2-related conditions. ClinVar contains an entry for this variant (Variation ID: 460975). An algorithm developed to predict the effect of missense changes on protein structure and function outputs the following: PolyPhen-2: "Benign". The alanine amino acid residue is found in multiple mammalian species, which suggests that this missense change does not adversely affect protein function. In summary, the available evidence is currently insufficient to determine the role of this variant in disease. Therefore, it has been classified as a Variant of Uncertain Significance.

Ambry Genetics
Classification: Likely benign for Hereditary cancer-predisposing syndrome. Last evaluated: 2025-10-03. Review status: criteria provided, single submitter. Criteria: Ambry Variant Classification Scheme 2023. Collection method: clinical testing. Allele origin: germline.

CeGaT Center for Human Genetics Tuebingen
Classification: Uncertain significance. Last evaluated: 2024-12-01. Review status: criteria provided, single submitter. Criteria: CeGaT Center For Human Genetics Tuebingen Variant Classification Criteria Version 2. Collection method: clinical testing. Allele origin: germline. Affected: yes. Observed: 1 variant allele.
Comment: PALB2: PM2, BP1, BP4

MGZ Medical Genetics Center
Classification: Uncertain significance for Familial cancer of breast. Last evaluated: 2022-01-04. Review status: criteria provided, single submitter. Criteria: ACMG Guidelines, 2015. Collection method: clinical testing. Allele origin: germline. Affected: yes. Observed: 1 variant allele.
Comment: ACMG criteria applied: PM2_SUP, BP4

Leiden Open Variation Database
Classification: Uncertain significance. Last evaluated: 2019-05-13. Review status: no assertion criteria provided. Collection method: curation. Allele origin: germline. Affected: yes. Not counted in ClinVar's aggregate classification.
Comment: Curators: Marc Tischkowitz, Arleen D. Auerbach. Submitter to LOVD: Andreas Laner.